The following is an entry in ClinVar:

NM_000334.4(SCN4A):c.3896A>T (p.Asn1299Ile)

Genes: SCN4A (sodium voltage-gated channel alpha subunit 4; minus strand), GH-LCR (growth hormone locus control region; plus strand). Cytogenetic location: 17q23.3.
Variant type: single nucleotide variant.
Coding change: c.3896A>T on transcript NM_000334.4 (MANE Select); coding-DNA position 3896, A replaced by T.
Protein change: p.Asn1299Ile; replaces asparagine 1299 with isoleucine.
Molecular consequence: missense variant.
Genome position (GRCh38, 1-based): chr17:63,944,689, T>A on the plus strand (A>T on the coding strand, the complement: SCN4A is on the minus strand). VCF-style: chr17-63944689-T-A. GRCh37 (hg19) VCF-style: chr17-62022049-T-A.
Other names: short protein forms N1299I.
Identifiers: ClinVar variation 1490145 (VCV001490145.8), dbSNP rs2144778363, ClinGen allele CA400617246.

ClinVar aggregate classification (germline): Uncertain significance. Review status: criteria provided, multiple submitters, no conflicts (2 of 4 stars). 2 submissions from 2 submitters: Uncertain significance (2). Last evaluated 2022-01-07.

Conditions:
Hyperkalemic periodic paralysis. Also called: Familial hyperkalemic periodic paralysis; Gamstorp disease. Identifiers: Orphanet 682, MedGen C0238357, MONDO:0008224, OMIM 170500, HP:0007215.

Submissions (2):

GeneDx
Classification: Uncertain significance. Last evaluated: 2022-01-07. Review status: criteria provided, single submitter. Criteria: GeneDx Variant Classification Process June 2021. Collection method: clinical testing. Allele origin: germline. Affected: yes.
Comment: Not observed at significant frequency in large population cohorts (gnomAD); In silico analysis supports that this missense variant has a deleterious effect on protein structure/function; Has not been previously published as pathogenic or benign to our knowledge

Labcorp Genetics (formerly Invitae), Labcorp
Classification: Uncertain significance for Hyperkalemic periodic paralysis. Last evaluated: 2021-11-21. Review status: criteria provided, single submitter. Criteria: Invitae Variant Classification Sherloc (09022015). Collection method: clinical testing. Allele origin: germline.
Comment: In summary, the available evidence is currently insufficient to determine the role of this variant in disease. Therefore, it has been classified as a Variant of Uncertain Significance. Algorithms developed to predict the effect of missense changes on protein structure and function are either unavailable or do not agree on the potential impact of this missense change (SIFT: "Deleterious"; PolyPhen-2: "Probably Damaging"; Align-GVGD: "Class C15"). This variant has not been reported in the literature in individuals affected with SCN4A-related conditions. This variant is not present in population databases (gnomAD no frequency). This sequence change replaces asparagine, which is neutral and polar, with isoleucine, which is neutral and non-polar, at codon 1299 of the SCN4A protein (p.Asn1299Ile).